The following is an entry in ClinVar:

NM_024665.7(TBL1XR1):c.1085A>G (p.Asn362Ser)

Genes: TBL1XR1 (TBL1X/Y related 1; minus strand), TBL1XR1-AS1 (TBL1XR1 antisense RNA 1; plus strand), LOC126806878 (CDK7 strongly-dependent group 2 enhancer GRCh37_chr3:176755168-176756367; plus strand). Cytogenetic location: 3q26.32.
Variant type: single nucleotide variant.
Coding change: c.1085A>G on transcript NM_024665.7 (MANE Select); coding-DNA position 1085, A replaced by G.
Protein change: p.Asn362Ser; replaces asparagine 362 with serine.
Molecular consequence: missense variant.
Genome position (GRCh38, 1-based): chr3:177,038,135, T>C on the plus strand (A>G on the coding strand, the complement: TBL1XR1 is on the minus strand). VCF-style: chr3-177038135-T-C. GRCh37 (hg19) VCF-style: chr3-176755923-T-C.
Other names: c.1085A>G, p.Asn362Ser (NM_001321193.3, NM_001321194.3, NM_001374327.1 and 2 more transcripts); c.824A>G, p.Asn275Ser (NM_001321195.3, NM_001374330.1); short protein forms N275S, N362S.
Identifiers: ClinVar variation 2081079 (VCV002081079.4), dbSNP rs770659513, ClinGen allele CA355555040.

ClinVar aggregate classification (germline): Uncertain significance (1 of 4 stars; one submission).

Conditions:
Pierpont syndrome (PRPTS). Identifiers: Orphanet 487825, MedGen C1865644, MONDO:0011213, OMIM 602342.

Allele frequency attached by ClinVar (database versions not stated): gnomAD exomes below 0.00001.
gnomAD v4.1: 1 of 1,613,090 alleles (0.000062%); highest among the groups gnomAD compares: South Asian, 0.0011%; no homozygotes.

Submission:

Labcorp Genetics (formerly Invitae), Labcorp
Classification: Uncertain significance for Pierpont syndrome. Last evaluated: 2025-02-20. Review status: criteria provided, single submitter. Criteria: Invitae Variant Classification Sherloc (09022015). Collection method: clinical testing. Allele origin: germline.
Comment: This sequence change replaces asparagine, which is neutral and polar, with serine, which is neutral and polar, at codon 362 of the TBL1XR1 protein (p.Asn362Ser). This variant is not present in population databases (gnomAD no frequency). This variant has not been reported in the literature in individuals affected with TBL1XR1-related conditions. ClinVar contains an entry for this variant (Variation ID: 2081079). Invitae Evidence Modeling of protein sequence and biophysical properties (such as structural, functional, and spatial information, amino acid conservation, physicochemical variation, residue mobility, and thermodynamic stability) indicates that this missense variant is not expected to disrupt TBL1XR1 protein function with a negative predictive value of 95%. In summary, the available evidence is currently insufficient to determine the role of this variant in disease. Therefore, it has been classified as a Variant of Uncertain Significance.